The following is an entry in ClinVar:

NM_000179.3(MSH6):c.1052A>G (p.His351Arg)

Gene: MSH6 (mutS homolog 6; plus strand). Cytogenetic location: 2p16.3.
Variant type: single nucleotide variant.
Coding change: c.1052A>G on transcript NM_000179.3 (MANE Select); coding-DNA position 1052, A replaced by G.
Protein change: p.His351Arg; replaces histidine 351 with arginine.
Molecular consequence: missense variant.
Genome position (GRCh38, 1-based): chr2:47,799,035, A>G. VCF-style: chr2-47799035-A-G. GRCh37 (hg19) VCF-style: chr2-48026174-A-G.
Other names: p.H351R:CAC>CGC; c.662A>G, p.His221Arg (NM_001281492.2); c.146A>G, p.His49Arg (NM_001281493.2, NM_001281494.2); short protein forms H351R, H49R, H221R.
Identifiers: ClinVar variation 182616 (VCV000182616.6), dbSNP rs730881786, ClinGen allele CA007895.
Genomic context (GRCh38, chr2:47,799,035, plus strand): 5'-CAGAAACCAAGAATACTTTGAGAGCTTTCTCTGCCCCTCAAAATTCTGAATCCCAAGCCC[A>G]CGTTAGTGGAGGTGGTGATGACAGTAGTCGCCCTACTGTTTGGTATCATGAAACTTTAGA-3'
Protein context (NP_000170.1, residues 341-361): SAPQNSESQA[His351Arg]VSGGGDDSSR

ClinVar aggregate classification (germline): Uncertain significance. Review status: criteria provided, multiple submitters, no conflicts (2 of 4 stars). 3 submissions from 3 submitters: Uncertain significance (3). Last evaluated 2026-09-12.

Conditions:
Hereditary nonpolyposis colorectal neoplasms. Identifiers: MedGen C0009405, MeSH D003123.
Hereditary cancer-predisposing syndrome. Also called: Neoplastic Syndromes, Hereditary; Hereditary Cancer Syndrome; Tumor predisposition; Hereditary neoplastic syndrome. Identifiers: Orphanet 140162, MedGen C0027672, MeSH D009386, MONDO:0015356.

Allele frequency attached by ClinVar (database versions not stated): gnomAD exomes below 0.00001.

Submissions (3):

Ambry Genetics
Classification: Uncertain significance for Hereditary cancer-predisposing syndrome. Last evaluated: 2026-09-12. Review status: criteria provided, single submitter. Criteria: Ambry Variant Classification Scheme 2023. Collection method: clinical testing. Allele origin: germline.
Comment: The p.H351R variant (also known as c.1052A>G), located in coding exon 4 of the MSH6 gene, results from an A to G substitution at nucleotide position 1052. The histidine at codon 351 is replaced by arginine, an amino acid with highly similar properties. This amino acid position is conserved. In addition, this alteration is predicted to be tolerated by in silico analysis. Based on the available evidence, the clinical significance of this variant remains unclear.

Labcorp Genetics (formerly Invitae), Labcorp
Classification: Uncertain significance for Hereditary nonpolyposis colorectal neoplasms. Last evaluated: 2025-09-04. Review status: criteria provided, single submitter. Criteria: Invitae Variant Classification Sherloc (09022015). Collection method: clinical testing. Allele origin: germline.
Comment: This sequence change replaces histidine, which is basic and polar, with arginine, which is basic and polar, at codon 351 of the MSH6 protein (p.His351Arg). This variant is not present in population databases (gnomAD no frequency). This variant has not been reported in the literature in individuals affected with MSH6-related conditions. ClinVar contains an entry for this variant (Variation ID: 182616). Invitae Evidence Modeling of protein sequence and biophysical properties (such as structural, functional, and spatial information, amino acid conservation, physicochemical variation, residue mobility, and thermodynamic stability) indicates that this missense variant is not expected to disrupt MSH6 protein function with a negative predictive value of 95%. In summary, the available evidence is currently insufficient to determine the role of this variant in disease. Therefore, it has been classified as a Variant of Uncertain Significance.

GeneDx
Classification: Uncertain significance. Last evaluated: 2014-08-27. Review status: criteria provided, single submitter. Criteria: GeneDx Variant Classification (06012015). Collection method: clinical testing. Allele origin: germline. Affected: yes.
Comment: This variant is denoted MSH6 c.1052A>G at the cDNA level, p.His351Arg (H351R) at the protein level, and results in the change of a Histidine to an Arginine (CAC>CGC). This variant has not, to our knowledge, been published in the literature as pathogenic or benign. MSH6 His351Arg was not observed in approximately 6,500 individuals of European and African American ancestry in the NHLBI Exome Sequencing Project, indicating it is not a common benign variant in these populations. Since Histidine and Arginine share similar properties, this is considered a conservative amino acid substitution. MSH6 His351Arg occurs at a position that is moderately conserved across species and is not located in a known functional domain (UniProt, Terui 2013). In silico analyses are inconsistent regarding the effect this variant may have on protein structure and function. Based on currently available information, it is unclear whether MSH6 His351Arg is pathogenic or benign. We consider it to be a variant of uncertain significance.